The following is an entry in ClinVar:

ClinVar aggregate classification (germline): Uncertain significance (1 of 4 stars; one submission).

Allele frequency attached by ClinVar (database versions not stated): gnomAD exomes below 0.00001; TOPMed 0.00001.
gnomAD v4.1: 1 of 1,605,502 alleles (0.000062%); highest among the groups gnomAD compares: African/African-American, 0.0013%; no homozygotes.

Submission:

Labcorp Genetics (formerly Invitae), Labcorp
Classification: Uncertain significance. Last evaluated: 2022-05-06. Review status: criteria provided, single submitter. Criteria: Invitae Variant Classification Sherloc (09022015). Collection method: clinical testing. Allele origin: germline.
Comment: This variant has not been reported in the literature in individuals affected with IFT88-related conditions. This variant is not present in population databases (gnomAD no frequency). This sequence change replaces serine, which is neutral and polar, with threonine, which is neutral and polar, at codon 417 of the IFT88 protein (p.Ser417Thr). Algorithms developed to predict the effect of missense changes on protein structure and function are either unavailable or do not agree on the potential impact of this missense change (SIFT: "Not Available"; PolyPhen-2: "Probably Damaging"; Align-GVGD: "Not Available"). In summary, the available evidence is currently insufficient to determine the role of this variant in disease. Therefore, it has been classified as a Variant of Uncertain Significance.

NM_006531.5(IFT88):c.1222T>A (p.Ser408Thr)

Gene: IFT88 (intraflagellar transport 88; plus strand). Cytogenetic location: 13q12.11.
Variant type: single nucleotide variant.
Coding change: c.1222T>A on transcript NM_006531.5 (MANE Select); coding-DNA position 1222, T replaced by A.
Protein change: p.Ser408Thr; replaces serine 408 with threonine.
Molecular consequence: missense variant. On other transcripts: non-coding transcript variant (5).
Genome position (GRCh38, 1-based): chr13:20,625,772, T>A. VCF-style: chr13-20625772-T-A. GRCh37 (hg19) VCF-style: chr13-21199911-T-A.
Other names: c.1165T>A, p.Ser389Thr (NM_001318491.2, NM_001353575.2); c.1249T>A, p.Ser417Thr (NM_001318493.2, NM_001353565.2, NM_001353566.2 and 2 more transcripts); c.1222T>A, p.Ser408Thr (NM_001353568.2, NM_001353572.2); c.1147T>A, p.Ser383Thr (NM_001353569.2, NM_001353570.2, NM_001353576.2 and 1 more transcripts); c.1120T>A, p.Ser374Thr (NM_001353571.2, NM_001353578.2); c.1078T>A, p.Ser360Thr (NM_001353573.2); c.1063T>A, p.Ser355Thr (NM_001353574.2); c.589T>A, p.Ser197Thr (NM_001353579.2); short protein forms S374T, S417T, S389T, S355T, S197T, S360T, S383T, S408T.
Identifiers: ClinVar variation 2134511 (VCV002134511.4), dbSNP rs1482059434, ClinGen allele CA387472066.
Genomic context (GRCh38, chr13:20,625,772, plus strand): 5'-ACAAAATCAAGTAAGGTTTTTTATGCTTTCCCTTATAGGTGCGTGGAAGTGGTGAAAGCT[T>A]CTCAATATGTAGAGCTAGCCAATGATCTGGAAATAAACAAAGCAGTTACATACTTGAGAC-3'
Protein context (NP_006522.2, residues 398-418): YDWCVEVVKA[Ser408Thr]QYVELANDLE